The following is an entry in ClinVar:

ClinVar aggregate classification (germline): Likely benign. Review status: criteria provided, single submitter (1 of 4 stars). 2 submissions from 2 submitters: Likely benign (1). 1 of the submissions does not count toward it. Last evaluated 2023-05-01.

Conditions:
MDN1-related disorder. Also called: MDN1-related condition.

Allele frequency attached by ClinVar (database versions not stated): 1000 Genomes Project 30x 0.00062; 1000 Genomes Project 0.00080; ExAC 0.00229; gnomAD 0.00265; TOPMed 0.00297; gnomAD exomes 0.00403; ESP Exome Variant Server 0.00423.
gnomAD v4.1: 6,225 of 1,614,134 alleles (0.39%); highest among the groups gnomAD compares: Non-Finnish European, 0.49%; 16 homozygotes.

Submissions (2):

CeGaT Center for Human Genetics Tuebingen
Classification: Likely benign. Last evaluated: 2023-05-01. Review status: criteria provided, single submitter. Criteria: CeGaT Center For Human Genetics Tuebingen Variant Classification Criteria Version 2. Collection method: clinical testing. Allele origin: germline. Affected: yes. Observed: 2 variant alleles.
Comment: MDN1: BP4, BS2

PreventionGenetics, part of Exact Sciences
Classification: Likely benign for MDN1-related condition. Last evaluated: 2019-05-10. Review status: no assertion criteria provided. Collection method: clinical testing. Allele origin: germline. Not counted in ClinVar's aggregate classification.
Comment: This variant is classified as likely benign based on ACMG/AMP sequence variant interpretation guidelines (Richards et al. 2015 PMID: 25741868, with internal and published modifications).

NM_014611.3(MDN1):c.7364G>A (p.Arg2455Gln)

Gene: MDN1 (midasin AAA ATPase 1; minus strand). Cytogenetic location: 6q15.
Variant type: single nucleotide variant.
Coding change: c.7364G>A on transcript NM_014611.3 (MANE Select); coding-DNA position 7364, G replaced by A.
Protein change: p.Arg2455Gln; replaces arginine 2455 with glutamine.
Molecular consequence: missense variant.
Genome position (GRCh38, 1-based): chr6:89,712,641, C>T on the plus strand (G>A on the coding strand, the complement: MDN1 is on the minus strand). VCF-style: chr6-89712641-C-T. GRCh37 (hg19) VCF-style: chr6-90422360-C-T.
Other names: c.7364G>A (NM_014611.2); short protein forms R2455Q.
Identifiers: ClinVar variation 2656765 (VCV002656765.25), dbSNP rs62417304, ClinGen allele CA3924303.
Genomic context (GRCh38, chr6:89,712,641, plus strand): 5'-CAGCTGCTGGTTTTCATGCTCATCCTGTTGAGACAATATACTAAGATCTGTCCATCTCTT[C>T]GGACTGTAGACAGGTGTGAATCTTCAGTAGCAAAGAGAGCTGAGGGCACAGAATCTGGCC-3'
Protein context (NP_055426.1, residues 2445-2465): ATEDSHLSTV[Arg2455Gln]RDGQILVYCL